The following is an entry in ClinVar:

ClinVar aggregate classification (germline): Likely pathogenic (1 of 4 stars; one submission).

Conditions:
Bardet-Biedl syndrome 5 (BBS5). Identifiers: Orphanet 110, MedGen C3892039, MONDO:0014434, OMIM 615983.

Submission:

3billion
Classification: Likely pathogenic for Bardet-Biedl syndrome 5. Last evaluated: 2022-01-03. Review status: criteria provided, single submitter. Criteria: ACMG Guidelines, 2015. Collection method: clinical testing. Allele origin: germline. Affected: yes. Observed: 1 heterozygote.
Comment: Frameshift: predicted to result in a loss or disruption of normal protein function through nonsense-mediated decay (NMD) or protein truncation. Multiple pathogenic variants are reported downstream of the variant (PVS1_VS). It is not observed in the gnomAD v2.1.1 dataset (PM2_M). Therefore, this variant is classified as likely pathogenic according to the recommendation of ACMG/AMP guideline.

NM_152384.3(BBS5):c.898del (p.Val300fs)

Gene: BBS5 (Bardet-Biedl syndrome 5; plus strand). Cytogenetic location: 2q31.1.
Variant type: Deletion.
Coding change: c.898del on transcript NM_152384.3 (MANE Select); coding-DNA position 898, one base deleted (G; older notation c.898delG).
Protein change: p.Val300fs; shifts the reading frame from valine 300.
Molecular consequence: frameshift variant.
Genome position (GRCh38, 1-based): chr2:169,503,176, G deleted. VCF-style (leftmost placement, unchanged base first): chr2-169503175-TG-T. GRCh37 (hg19) VCF-style: chr2-170359685-TG-T.
Other names: short protein forms V300fs.
Identifiers: ClinVar variation 1333315 (VCV001333315.1), dbSNP rs2105303591, ClinGen allele CA2573051712.